The following is an entry in ClinVar:

ClinVar aggregate classification (germline): Uncertain significance. Review status: criteria provided, multiple submitters, no conflicts (2 of 4 stars). 2 submissions from 2 submitters: Uncertain significance (2). Last evaluated 2026-07-10.

Conditions:
Neurofibromatosis, type 1 (NF1). Also called: VON RECKLINGHAUSEN DISEASE; Neurofibromatosis, type I; Peripheral type neurofibromatosis; NEUROFIBROMATOSIS, TYPE I, SOMATIC. Identifiers: Orphanet 636, MedGen C0027831, MONDO:0018975, OMIM 162200. Disease mechanism: loss of function.
Cardiovascular phenotype. Identifiers: MedGen CN230736.
Hereditary cancer-predisposing syndrome. Also called: Hereditary neoplastic syndrome; Hereditary Cancer Syndrome; Neoplastic Syndromes, Hereditary; Tumor predisposition. Identifiers: Orphanet 140162, MedGen C0027672, MeSH D009386, MONDO:0015356.

Allele frequency attached by ClinVar (database versions not stated): gnomAD exomes below 0.00001.
gnomAD v4.1: 1 of 1,614,056 alleles (0.000062%); highest among the groups gnomAD compares: South Asian, 0.0011%; no homozygotes.

Submissions (2):

Ambry Genetics
Classification: Uncertain significance for Cardiovascular phenotype; Hereditary cancer-predisposing syndrome. Last evaluated: 2026-07-10. Review status: criteria provided, single submitter. Criteria: Ambry Variant Classification Scheme 2023. Collection method: clinical testing. Allele origin: germline.
Comment: The p.N1864S variant (also known as c.5591A>G), located in coding exon 38 of the NF1 gene, results from an A to G substitution at nucleotide position 5591. The asparagine at codon 1864 is replaced by serine, an amino acid with highly similar properties. This amino acid position is highly conserved in available vertebrate species. In addition, this alteration is predicted to be tolerated by in silico analysis. Based on the available evidence, the clinical significance of this variant remains unclear.

Labcorp Genetics (formerly Invitae), Labcorp
Classification: Uncertain significance for Neurofibromatosis, type 1. Last evaluated: 2024-01-10. Review status: criteria provided, single submitter. Criteria: Invitae Variant Classification Sherloc (09022015). Collection method: clinical testing. Allele origin: germline.
Comment: This sequence change replaces asparagine, which is neutral and polar, with serine, which is neutral and polar, at codon 1864 of the NF1 protein (p.Asn1864Ser). This variant is not present in population databases (gnomAD no frequency). This variant has not been reported in the literature in individuals affected with NF1-related conditions. Advanced modeling of protein sequence and biophysical properties (such as structural, functional, and spatial information, amino acid conservation, physicochemical variation, residue mobility, and thermodynamic stability) performed at Invitae indicates that this missense variant is expected to disrupt NF1 protein function with a positive predictive value of 95%. In summary, the available evidence is currently insufficient to determine the role of this variant in disease. Therefore, it has been classified as a Variant of Uncertain Significance.

NM_001042492.3(NF1):c.5654A>G (p.Asn1885Ser)

Gene: NF1 (neurofibromin 1; plus strand). Cytogenetic location: 17q11.2.
Variant type: single nucleotide variant.
Coding change: c.5654A>G on transcript NM_001042492.3 (MANE Select); coding-DNA position 5654, A replaced by G.
Protein change: p.Asn1885Ser; replaces asparagine 1885 with serine.
Molecular consequence: missense variant.
Genome position (GRCh38, 1-based): chr17:31,330,340, A>G. VCF-style: chr17-31330340-A-G. GRCh37 (hg19) VCF-style: chr17-29657358-A-G.
Other names: c.5591A>G, p.Asn1864Ser (NM_000267.4); short protein forms N1864S, N1885S.
Identifiers: ClinVar variation 2699111 (VCV002699111.5), dbSNP rs2508718087, ClinGen allele CA399010183.